The following is an entry in ClinVar:

NM_000051.4(ATM):c.6787A>C (p.Arg2263=)

Genes: ATM (ATM serine/threonine kinase; plus strand), C11orf65 (chromosome 11 open reading frame 65; minus strand). Cytogenetic location: 11q22.3.
Variant type: single nucleotide variant.
Coding change: c.6787A>C on transcript NM_000051.4 (MANE Select); coding-DNA position 6787, A replaced by C.
Protein change: p.Arg2263=; no amino-acid change (arginine 2263 retained).
Molecular consequence: synonymous variant. On other transcripts: intron variant (2).
Genome position (GRCh38, 1-based): chr11:108,325,524, A>C. VCF-style: chr11-108325524-A-C. GRCh37 (hg19) VCF-style: chr11-108196251-A-C.
Other names: c.6787A>C, p.Arg2263= (NM_001351834.2); c.641-16453T>G (NM_001330368.2); c.*38+9696T>G (NM_001351110.2).
Identifiers: ClinVar variation 3254045 (VCV003254045.1), dbSNP rs1159290586.

ClinVar aggregate classification (germline): Benign (1 of 4 stars; one submission).

Conditions:
Familial cancer of breast. Also called: hereditary breast carcinoma; BREAST CANCER, FAMILIAL; Hereditary breast cancer. Identifiers: Orphanet 227535, MedGen C0346153, MONDO:0016419, OMIM 114480. Disease mechanism: loss of function.

Submission:

Myriad Genetics, Inc.
Classification: Benign for Familial cancer of breast. Last evaluated: 2024-06-10. Review status: criteria provided, single submitter. Criteria: Myriad Autosomal Dominant, Autosomal Recessive and X-Linked Classification Criteria (2023). Collection method: clinical testing. Allele origin: unknown.
Comment: This variant is considered benign. This variant is a silent/synonymous amino acid change and it is not expected to impact splicing.